The following is an entry in ClinVar:

ClinVar aggregate classification (germline): Uncertain significance. Review status: criteria provided, multiple submitters, no conflicts (2 of 4 stars). 2 submissions from 2 submitters: Uncertain significance (2). Last evaluated 2025-04-28.

Conditions:
Progressive myoclonic epilepsy type 5. Identifiers: Orphanet 402082, MedGen C5190799.
Progressive myoclonic epilepsy. Also called: Familial progressive myoclonic epilepsy; Myoclonic Epilepsies, Progressive; Progressive myoclonus epilepsy; Myoclonus epilepsy. Identifiers: Orphanet 308, Orphanet 98261, MedGen C0751778, MONDO:0020074.

Allele frequency attached by ClinVar (database versions not stated): gnomAD exomes 0.00001; TOPMed 0.00001; ExAC 0.00002.
gnomAD v4.1: 23 of 1,614,038 alleles (0.0014%); highest among the groups gnomAD compares: Middle Eastern, 0.016%; no homozygotes.

Submissions (2):

Labcorp Genetics (formerly Invitae), Labcorp
Classification: Uncertain significance for Progressive myoclonic epilepsy type 5. Last evaluated: 2025-04-28. Review status: criteria provided, single submitter. Criteria: Invitae Variant Classification Sherloc (09022015). Collection method: clinical testing. Allele origin: germline.
Comment: This sequence change replaces arginine, which is basic and polar, with glutamine, which is neutral and polar, at codon 390 of the PRICKLE2 protein (p.Arg390Gln). This variant is present in population databases (rs773493989, gnomAD 0.006%). This variant has not been reported in the literature in individuals affected with PRICKLE2-related conditions. ClinVar contains an entry for this variant (Variation ID: 478002). Invitae Evidence Modeling of protein sequence and biophysical properties (such as structural, functional, and spatial information, amino acid conservation, physicochemical variation, residue mobility, and thermodynamic stability) indicates that this missense variant is not expected to disrupt PRICKLE2 protein function with a negative predictive value of 80%. In summary, the available evidence is currently insufficient to determine the role of this variant in disease. Therefore, it has been classified as a Variant of Uncertain Significance.

Illumina Laboratory Services, Illumina
Classification: Uncertain significance for Progressive myoclonic epilepsy. Last evaluated: 2018-01-13. Review status: criteria provided, single submitter. Criteria: ICSL Variant Classification Criteria 13 December 2019. Collection method: clinical testing. Allele origin: germline.

NM_198859.4(PRICKLE2):c.1169G>A (p.Arg390Gln)

Gene: PRICKLE2 (prickle planar cell polarity protein 2; minus strand). Cytogenetic location: 3p14.1.
Variant type: single nucleotide variant.
Coding change: c.1169G>A on transcript NM_198859.4 (MANE Select); coding-DNA position 1169, G replaced by A.
Protein change: p.Arg390Gln; replaces arginine 390 with glutamine.
Molecular consequence: missense variant.
Genome position (GRCh38, 1-based): chr3:64,147,321, C>T on the plus strand (G>A on the coding strand, the complement: PRICKLE2 is on the minus strand). VCF-style: chr3-64147321-C-T. GRCh37 (hg19) VCF-style: chr3-64132997-C-T.
Other names: c.1169G>A, p.Arg390Gln (NM_001370528.1); short protein forms R390Q.
Identifiers: ClinVar variation 478002 (VCV000478002.9), dbSNP rs773493989, ClinGen allele CA2479678.